The following is an entry in ClinVar:

ClinVar aggregate classification (germline): Uncertain significance (1 of 4 stars; one submission).

Allele frequency attached by ClinVar (database versions not stated): gnomAD exomes below 0.00001; gnomAD 0.00001; TOPMed 0.00001; ExAC 0.00013.
gnomAD v4.1: 9 of 1,540,490 alleles (0.00058%); highest among the groups gnomAD compares: South Asian, 0.0059%; no homozygotes.

Submission:

Labcorp Genetics (formerly Invitae), Labcorp
Classification: Uncertain significance. Last evaluated: 2024-07-19. Review status: criteria provided, single submitter. Criteria: Invitae Variant Classification Sherloc (09022015). Collection method: clinical testing. Allele origin: germline.
Comment: This sequence change replaces arginine, which is basic and polar, with glutamine, which is neutral and polar, at codon 1392 of the DCHS1 protein (p.Arg1392Gln). The frequency data for this variant in the population databases is considered unreliable, as metrics indicate poor data quality at this position in the gnomAD database. This variant has not been reported in the literature in individuals affected with DCHS1-related conditions. Advanced modeling of protein sequence and biophysical properties (such as structural, functional, and spatial information, amino acid conservation, physicochemical variation, residue mobility, and thermodynamic stability) performed at Invitae indicates that this missense variant is not expected to disrupt DCHS1 protein function with a negative predictive value of 80%. In summary, the available evidence is currently insufficient to determine the role of this variant in disease. Therefore, it has been classified as a Variant of Uncertain Significance.

NM_003737.4(DCHS1):c.4175G>A (p.Arg1392Gln)

Gene: DCHS1 (dachsous cadherin-related 1; minus strand). Cytogenetic location: 11p15.4.
Variant type: single nucleotide variant.
Coding change: c.4175G>A on transcript NM_003737.4 (MANE Select); coding-DNA position 4175, G replaced by A.
Protein change: p.Arg1392Gln; replaces arginine 1392 with glutamine.
Molecular consequence: missense variant.
Genome position (GRCh38, 1-based): chr11:6,630,619, C>T on the plus strand (G>A on the coding strand, the complement: DCHS1 is on the minus strand). VCF-style: chr11-6630619-C-T. GRCh37 (hg19) VCF-style: chr11-6651850-C-T.
Other names: short protein forms R1392Q.
Identifiers: ClinVar variation 3000470 (VCV003000470.3), dbSNP rs61875880, ClinGen allele CA5860365.